The following is an entry in ClinVar:

ClinVar aggregate classification (germline): Uncertain significance (1 of 4 stars; one submission).

Submission:

CeGaT Center for Human Genetics Tuebingen
Classification: Uncertain significance. Last evaluated: 2026-04-01. Review status: criteria provided, single submitter. Criteria: CeGaT Center For Human Genetics Tuebingen Variant Classification Criteria Version 2. Collection method: clinical testing. Allele origin: germline. Affected: yes. Observed: 1 variant allele.
Comment: NOTCH3: PM2

NM_000435.3(NOTCH3):c.3102C>G (p.Asp1034Glu)

Gene: NOTCH3 (notch receptor 3; minus strand). Cytogenetic location: 19p13.12.
Variant type: single nucleotide variant.
Coding change: c.3102C>G on transcript NM_000435.3 (MANE Select); coding-DNA position 3102, C replaced by G.
Protein change: p.Asp1034Glu; replaces aspartic acid 1034 with glutamic acid.
Molecular consequence: missense variant.
Genome position (GRCh38, 1-based): chr19:15,180,721, G>C on the plus strand (C>G on the coding strand, the complement: NOTCH3 is on the minus strand). VCF-style: chr19-15180721-G-C. GRCh37 (hg19) VCF-style: chr19-15291532-G-C.
Other names: short protein forms D1034E.
Identifiers: ClinVar variation 4874454 (VCV004874454.2).